The following is an entry in ClinVar:

NM_002335.4(LRP5):c.29_37dup (p.Leu12_Leu13insArgProLeu)

Gene: LRP5 (LDL receptor related protein 5; plus strand). Cytogenetic location: 11q13.2.
Variant type: Duplication.
Coding change: c.29_37dup on transcript NM_002335.4 (MANE Select); coding-DNA positions 29 to 37, 9 bases duplicated (GGCCGCTGC; older notation c.29_37dupGGCCGCTGC).
Protein change: p.Leu12_Leu13insArgProLeu.
Molecular consequence: inframe insertion. On other transcripts: 5 prime UTR variant (1).
Genome position (GRCh38, 1-based): chr11:68,312,743-68,312,751, GGCCGCTGC duplicated. VCF-style (leftmost placement, unchanged base first): chr11-68312742-T-TGGCCGCTGC. GRCh37 (hg19) VCF-style: chr11-68080210-T-TGGCCGCTGC.
Other names: c.-1737_-1729dup (NM_001291902.2).
Identifiers: ClinVar variation 2672474 (VCV002672474.23), dbSNP rs946141296, ClinGen allele CA224251943.
Genomic context (GRCh38, chr11:68,312,742, plus strand): 5'-GCGCGGCGCGGGCCCGTCCGGCCGCCGGACAACATGGAGGCAGCGCCGCCCGGGCCGCCG[T>TGGCCGCTGC]GGCCGCTGCTGCTGCTGCTGCTGCTGCTGCTGGCGCTGTGCGGCTGCCCGGCCCCCGCCG-3'

ClinVar aggregate classification (germline): Uncertain significance (1 of 4 stars; one submission).

Allele frequency attached by ClinVar (database versions not stated): TOPMed below 0.00001; gnomAD 0.00001.

Submission:

CeGaT Center for Human Genetics Tuebingen
Classification: Uncertain significance. Last evaluated: 2023-12-01. Review status: criteria provided, single submitter. Criteria: CeGaT Center For Human Genetics Tuebingen Variant Classification Criteria Version 2. Collection method: clinical testing. Allele origin: germline. Affected: yes. Observed: 1 variant allele.
Comment: LRP5: PM2